The following is an entry in ClinVar:

NM_006030.4(CACNA2D2):c.2482C>T (p.Arg828Cys)

Genes: CACNA2D2 (calcium voltage-gated channel auxiliary subunit alpha2delta 2; minus strand), LOC101928965 (uncharacterized LOC101928965; plus strand), LOC127898564 (CYB561D2-LOC101928965; plus strand). Cytogenetic location: 3p21.31.
Variant type: single nucleotide variant.
Coding change: c.2482C>T on transcript NM_006030.4 (MANE Select); coding-DNA position 2482, C replaced by T.
Protein change: p.Arg828Cys; replaces arginine 828 with cysteine.
Molecular consequence: missense variant.
Genome position (GRCh38, 1-based): chr3:50,367,029, G>A on the plus strand (C>T on the coding strand, the complement: CACNA2D2 is on the minus strand). VCF-style: chr3-50367029-G-A. GRCh37 (hg19) VCF-style: chr3-50404460-G-A.
Other names: c.2482C>T, p.Arg828Cys (NM_001005505.3); c.2503C>T, p.Arg835Cys (NM_001174051.3); c.2275C>T, p.Arg759Cys (NM_001291101.1); c.2503C>T (NM_001174051.1); short protein forms R828C, R759C, R835C.
Identifiers: ClinVar variation 1486921 (VCV001486921.6), dbSNP rs774552132, ClinGen allele CA2418473.

ClinVar aggregate classification (germline): Conflicting classifications of pathogenicity. Review status: criteria provided, conflicting classifications (1 of 4 stars). 3 submissions from 3 submitters: Uncertain significance (2); Likely benign (1). Last evaluated 2025-07-15.

Conditions:
Cerebellar atrophy with seizures and variable developmental delay. Identifiers: MedGen C5193132, MONDO:0032788, OMIM 618501.
Inborn genetic diseases. Identifiers: MedGen C0950123, MeSH D030342.
Developmental and epileptic encephalopathy. Identifiers: MedGen C5779964, MONDO:0100620.

Allele frequency attached by ClinVar (database versions not stated): ExAC 0.00001; gnomAD exomes 0.00001 and 0.00005; TOPMed 0.00003; gnomAD 0.00004.
gnomAD v4.1: 83 of 1,613,566 alleles (0.0051%); highest among the groups gnomAD compares: Non-Finnish European, 0.0065%; no homozygotes.

Submissions (3):

Ambry Genetics
Classification: Uncertain significance for Inborn genetic diseases. Last evaluated: 2025-07-15. Review status: criteria provided, single submitter. Criteria: Ambry Variant Classification Scheme 2023. Collection method: clinical testing. Allele origin: germline.

3billion
Classification: Likely benign for Cerebellar atrophy with seizures and variable developmental delay. Last evaluated: 2024-09-20. Review status: criteria provided, single submitter. Criteria: ACMG Guidelines, 2015. Collection method: clinical testing. Allele origin: germline. Affected: no.
Comment: The homozygous variant was found in patients diagnosed with another variant in a different gene, with no symptoms related to the gene containing the homozygous variant.

Labcorp Genetics (formerly Invitae), Labcorp
Classification: Uncertain significance for Early-infantile DEE. Last evaluated: 2021-12-02. Review status: criteria provided, single submitter. Criteria: Invitae Variant Classification Sherloc (09022015). Collection method: clinical testing. Allele origin: germline.
Comment: This sequence change replaces arginine, which is basic and polar, with cysteine, which is neutral and slightly polar, at codon 828 of the CACNA2D2 protein (p.Arg828Cys). This variant is present in population databases (rs774552132, gnomAD 0.004%). This variant has not been reported in the literature in individuals affected with CACNA2D2-related conditions. Algorithms developed to predict the effect of missense changes on protein structure and function (SIFT, PolyPhen-2, Align-GVGD) all suggest that this variant is likely to be disruptive. Algorithms developed to predict the effect of sequence changes on RNA splicing suggest that this variant may create or strengthen a splice site. In summary, the available evidence is currently insufficient to determine the role of this variant in disease. Therefore, it has been classified as a Variant of Uncertain Significance.